The following is an entry in ClinVar:

ClinVar aggregate classification (germline): Uncertain significance (1 of 4 stars; one submission).

Conditions:
Luo-Schoch-Yamamoto syndrome. Identifiers: MedGen C5561946, MONDO:0859171, OMIM 619460.

Submission:

Laboratorio de Genetica e Diagnostico Molecular, Hospital Israelita Albert Einstein
Classification: Uncertain significance for Luo-Schoch-Yamamoto syndrome. Last evaluated: 2023-07-21. Review status: criteria provided, single submitter. Criteria: ACMG Guidelines, 2015. Collection method: clinical testing. Allele origin: germline. Affected: yes.
Comment: ACMG classification criteria: PM2 moderate, PP3 supporting

NM_007212.4(RNF2):c.739T>C (p.Tyr247His)

Gene: RNF2 (ring finger protein 2; plus strand). Cytogenetic location: 1q25.3.
Variant type: single nucleotide variant.
Coding change: c.739T>C on transcript NM_007212.4 (MANE Select); coding-DNA position 739, T replaced by C.
Protein change: p.Tyr247His; replaces tyrosine 247 with histidine.
Molecular consequence: missense variant.
Genome position (GRCh38, 1-based): chr1:185,099,792, T>C. VCF-style: chr1-185099792-T-C. GRCh37 (hg19) VCF-style: chr1-185068924-T-C.
Other names: short protein forms Y247H.
Identifiers: ClinVar variation 4076382 (VCV004076382.1).